The following is an entry in ClinVar:

ClinVar aggregate classification (germline): Uncertain significance (1 of 4 stars; one submission).

gnomAD v4.1: 1 of 1,211,873 alleles (0.000083%); highest among the groups gnomAD compares: Non-Finnish European, 0.00011%; no homozygotes.

Submission:

CeGaT Center for Human Genetics Tuebingen
Classification: Uncertain significance. Last evaluated: 2023-11-01. Review status: criteria provided, single submitter. Criteria: CeGaT Center For Human Genetics Tuebingen Variant Classification Criteria Version 2. Collection method: clinical testing. Allele origin: germline. Affected: yes. Observed: 1 variant allele.
Comment: NLGN3: PM2

NM_181303.2(NLGN3):c.2199G>T (p.Lys733Asn)

Gene: NLGN3 (neuroligin 3; plus strand). Cytogenetic location: Xq13.1.
Variant type: single nucleotide variant.
Coding change: c.2199G>T on transcript NM_181303.2 (MANE Select); coding-DNA position 2199, G replaced by T.
Protein change: p.Lys733Asn; replaces lysine 733 with asparagine.
Molecular consequence: missense variant.
Genome position (GRCh38, 1-based): chrX:71,169,749, G>T. VCF-style: chrX-71169749-G-T. GRCh37 (hg19) VCF-style: chrX-70389599-G-T.
Other names: c.2079G>T, p.Lys693Asn (NM_001166660.2); c.1788G>T, p.Lys596Asn (NM_001321276.2); c.2139G>T, p.Lys713Asn (NM_018977.4); short protein forms K596N, K693N, K713N, K733N.
Identifiers: ClinVar variation 2673242 (VCV002673242.23), dbSNP rs1391481967, ClinGen allele CA413566711.